The following is an entry in ClinVar:

ClinVar aggregate classification (germline): Conflicting classifications of pathogenicity. Review status: criteria provided, conflicting classifications (1 of 4 stars). 4 submissions from 4 submitters: Uncertain significance (1); Likely benign (3). Last evaluated 2025-04-02.

Conditions:
Autosomal recessive ataxia, Beauce type. Also called: ATAXIA, RECESSIVE, OF BEAUCE; Spinocerebellar ataxia, autosomal recessive 8; SYNE1 Deficiency; SYNE1-Related Autosomal Recessive Cerebellar Ataxia. Identifiers: Orphanet 88644, MedGen C1853116, MONDO:0012549, OMIM 610743.
Emery-Dreifuss muscular dystrophy 4, autosomal dominant (EDMD4). Also called: EMERY-DREIFUSS MUSCULAR DYSTROPHY 4 WITH VARIABLE FEATURES. Identifiers: Orphanet 261, MedGen C2751807, MONDO:0013071, OMIM 612998.

Allele frequency attached by ClinVar (database versions not stated): gnomAD 0.00003 and 0.00004; TOPMed 0.00003; ExAC 0.00004; gnomAD exomes 0.00005.
gnomAD v4.1: 82 of 1,613,922 alleles (0.0051%); highest among the groups gnomAD compares: Non-Finnish European, 0.0061%; no homozygotes.

Submissions (4):

Athena Diagnostics
Classification: Likely benign. Last evaluated: 2025-04-02. Review status: criteria provided, single submitter. Criteria: Athena Diagnostics Criteria. Collection method: clinical testing. Allele origin: unknown.
Comment: Computational tools yielded predictions that this variant is unlikely to have an effect on normal RNA splicing. This nucleotide position exhibits low evolutionary conservation.

Labcorp Genetics (formerly Invitae), Labcorp
Classification: Likely benign for Emery-Dreifuss muscular dystrophy 4, autosomal dominant; Autosomal recessive ataxia, Beauce type. Last evaluated: 2025-04-02. Review status: criteria provided, single submitter. Criteria: Invitae Variant Classification Sherloc (09022015). Collection method: clinical testing. Allele origin: germline.

Blueprint Genetics
Classification: Likely benign. Last evaluated: 2024-04-05. Review status: criteria provided, single submitter. Criteria: ACMG Guidelines, 2015. Collection method: clinical testing. Allele origin: germline.

Eurofins Ntd Llc (ga)
Classification: Uncertain significance. Last evaluated: 2018-07-19. Review status: criteria provided, single submitter. Criteria: EGL ClinVar v180209 classification definitions. Collection method: clinical testing. Allele origin: germline. Observed: 1 variant allele, 1 heterozygote.

NM_182961.4(SYNE1):c.462C>T (p.Ser154=)

Gene: SYNE1 (spectrin repeat containing nuclear envelope protein 1; minus strand). Cytogenetic location: 6q25.2.
Variant type: single nucleotide variant.
Coding change: c.462C>T on transcript NM_182961.4 (MANE Select); coding-DNA position 462, C replaced by T.
Protein change: p.Ser154=; no amino-acid change (serine 154 retained).
Molecular consequence: synonymous variant.
Genome position (GRCh38, 1-based): chr6:152,510,312, G>A on the plus strand (C>T on the coding strand, the complement: SYNE1 is on the minus strand). VCF-style: chr6-152510312-G-A. GRCh37 (hg19) VCF-style: chr6-152831447-G-A.
Other names: c.483C>T, p.Ser161= (NM_033071.5).
Identifiers: ClinVar variation 586738 (VCV000586738.16), dbSNP rs761939786, ClinGen allele CA4059720.
Genomic context (GRCh38, chr6:152,510,312, plus strand): 5'-GGTGGTCACCTTCCGTTTACTTGGTGGGCTGGGAGTCTCAGAGCTAACTATGCTGTCCAC[G>A]GAGGATGCGCTGCTGGACAAAGACTGGAGCTGGGGCAGGTTGCTGGTCAACTCTTCAATC-3'
Protein context (NP_892006.3, residues 144-164): QLQSLSSSAS[Ser154=]VDSIVSSETP